The following is an entry in ClinVar:

NM_005562.3(LAMC2):c.2470A>T (p.Lys824Ter)

Gene: LAMC2 (laminin subunit gamma 2; plus strand). Cytogenetic location: 1q25.3.
Variant type: single nucleotide variant.
Coding change: c.2470A>T on transcript NM_005562.3 (MANE Select); coding-DNA position 2470, A replaced by T.
Protein change: p.Lys824Ter; replaces lysine 824 with a stop codon.
Molecular consequence: nonsense.
Genome position (GRCh38, 1-based): chr1:183,236,473, A>T. VCF-style: chr1-183236473-A-T. GRCh37 (hg19) VCF-style: chr1-183205608-A-T.
Other names: c.2470A>T, p.Lys824Ter (NM_018891.3); short protein forms K824*.
Identifiers: ClinVar variation 1724731 (VCV001724731.2), dbSNP rs1462711090, ClinGen allele CA343695925.

ClinVar aggregate classification (germline): Likely pathogenic (1 of 4 stars; one submission).

Conditions:
Junctional epidermolysis bullosa gravis of Herlitz. Also called: EPIDERMOLYSIS BULLOSA JUNCTIONALIS, HERLITZ TYPE; EPIDERMOLYSIS BULLOSA, JUNCTIONAL, HERLITZ-PEARSON TYPE; JEB-HERLITZ TYPE; EPIDERMOLYSIS BULLOSA, JUNCTIONAL 1B, SEVERE; Epidermolysis Bullosa Letalis; Herlitz-type junctional epidermolysis bullosa. Identifiers: Orphanet 79404, MedGen C0079683, MONDO:0009182, OMIM 226700.

Submission:

Myriad Genetics, Inc.
Classification: Likely pathogenic for Junctional epidermolysis bullosa gravis of Herlitz. Last evaluated: 2022-02-25. Review status: criteria provided, single submitter. Criteria: Myriad Women's Health Autosomal Recessive and X-Linked Classification Criteria (2021). Collection method: clinical testing. Allele origin: unknown.
Comment: NM_005562.2(LAMC2):c.2470A>T(K824*) is expected to be pathogenic in the context of junctional epidermolysis bullosa, LAMC2-related. This variant is predicted to lead to an abnormal or absent protein product due to the creation of a premature termination codon in LAMC2, a gene where loss-of-function variants are known to be pathogenic. Please note: this variant was assessed in the context of healthy population screening.